The following is an entry in ClinVar:

ClinVar aggregate classification (germline): Uncertain significance (1 of 4 stars; one submission).

gnomAD v4.1: 109 of 1,613,362 alleles (0.0068%); highest among the groups gnomAD compares: Non-Finnish European, 0.0079%; no homozygotes.

Submission:

Labcorp Genetics (formerly Invitae), Labcorp
Classification: Uncertain significance. Last evaluated: 2025-12-10. Review status: criteria provided, single submitter. Criteria: Invitae Variant Classification Sherloc (09022015). Collection method: clinical testing. Allele origin: germline.
Comment: This sequence change replaces arginine, which is basic and polar, with histidine, which is basic and polar, at codon 59 of the KRT10 protein (p.Arg59His). This variant is present in population databases (rs374581207, gnomAD 0.009%). This variant has not been reported in the literature in individuals affected with KRT10-related conditions. Invitae Evidence Modeling of protein sequence and biophysical properties (such as structural, functional, and spatial information, amino acid conservation, physicochemical variation, residue mobility, and thermodynamic stability) indicates that this missense variant is not expected to disrupt KRT10 protein function with a negative predictive value of 80%. In summary, the available evidence is currently insufficient to determine the role of this variant in disease. Therefore, it has been classified as a Variant of Uncertain Significance.

NM_000421.5(KRT10):c.176G>A (p.Arg59His)

Genes: KRT10 (keratin 10; minus strand), KRT10-AS1 (KRT10 antisense RNA 1; plus strand). Cytogenetic location: 17q21.2.
Variant type: single nucleotide variant.
Coding change: c.176G>A on transcript NM_000421.5 (MANE Select); coding-DNA position 176, G replaced by A.
Protein change: p.Arg59His; replaces arginine 59 with histidine.
Molecular consequence: missense variant.
Genome position (GRCh38, 1-based): chr17:40,822,410, C>T on the plus strand (G>A on the coding strand, the complement: KRT10 is on the minus strand). VCF-style: chr17-40822410-C-T. GRCh37 (hg19) VCF-style: chr17-38978662-C-T.
Other names: c.176G>A, p.Arg59His (NM_001379366.1); short protein forms R59H.
Identifiers: ClinVar variation 4739502 (VCV004739502.1).
Genomic context (GRCh38, chr17:40,822,410, plus strand): 5'-CCTCCTAATCCTCCATAGCCACCTGATGAGCCCCCAAAGCAGCCCCCACCAGAGCTCCCA[C>T]GGCTAAAAGAGCCACCACTGAACCCCCCTGAGCTAAATCCTCCACCAAGGGAGCCTTTGC-3'
Protein context (NP_000412.4, residues 49-69): SGGFSGGSFS[Arg59His]GSSGGGCFGG